The following is an entry in ClinVar:

ClinVar aggregate classification (germline): Uncertain significance (1 of 4 stars; one submission).

Submission:

Labcorp Genetics (formerly Invitae), Labcorp
Classification: Uncertain significance. Last evaluated: 2021-05-05. Review status: criteria provided, single submitter. Criteria: Invitae Variant Classification Sherloc (09022015). Collection method: clinical testing. Allele origin: germline.
Comment: This sequence change replaces isoleucine with phenylalanine at codon 682 of the CDH2 protein (p.Ile682Phe). The isoleucine residue is highly conserved and there is a small physicochemical difference between isoleucine and phenylalanine. This variant is not present in population databases (ExAC no frequency). This variant has not been reported in the literature in individuals with CDH2-related conditions. Algorithms developed to predict the effect of missense changes on protein structure and function are either unavailable or do not agree on the potential impact of this missense change (SIFT: "Deleterious"; PolyPhen-2: "Probably Damaging"; Align-GVGD: "Class C15"). In summary, the available evidence is currently insufficient to determine the role of this variant in disease. Therefore, it has been classified as a Variant of Uncertain Significance.

NM_001792.5(CDH2):c.2044A>T (p.Ile682Phe)

Gene: CDH2 (cadherin 2; minus strand). Cytogenetic location: 18q12.1.
Variant type: single nucleotide variant.
Coding change: c.2044A>T on transcript NM_001792.5 (MANE Select); coding-DNA position 2044, A replaced by T.
Protein change: p.Ile682Phe; replaces isoleucine 682 with phenylalanine.
Molecular consequence: missense variant.
Genome position (GRCh38, 1-based): chr18:27,985,165, T>A on the plus strand (A>T on the coding strand, the complement: CDH2 is on the minus strand). VCF-style: chr18-27985165-T-A. GRCh37 (hg19) VCF-style: chr18-25565129-T-A.
Other names: c.1951A>T, p.Ile651Phe (NM_001308176.2); short protein forms I682F, I651F.
Identifiers: ClinVar variation 1351668 (VCV001351668.8), dbSNP rs2143952451, ClinGen allele CA402106987.